The following is an entry in ClinVar:

ClinVar aggregate classification (germline): Uncertain significance (1 of 4 stars; one submission).

Conditions:
2-aminoadipic 2-oxoadipic aciduria (AAKAD). Also called: Aminoadipic aciduria; ALPHA-AMINOADIPIC AND ALPHA-KETOADIPIC ACIDURIA. Identifiers: Orphanet 79154, MedGen C1859817, MONDO:0008774, OMIM 204750.

Allele frequency attached by ClinVar (database versions not stated): gnomAD 0.00001.
gnomAD v4.1: 1 of 1,614,126 alleles (0.000062%); highest among the groups gnomAD compares: African/African-American, 0.0013%; no homozygotes.

Submission:

Labcorp Genetics (formerly Invitae), Labcorp
Classification: Uncertain significance for 2-aminoadipic 2-oxoadipic aciduria. Last evaluated: 2022-11-15. Review status: criteria provided, single submitter. Criteria: Invitae Variant Classification Sherloc (09022015). Collection method: clinical testing. Allele origin: germline.
Comment: This variant has not been reported in the literature in individuals affected with DHTKD1-related conditions. In summary, the available evidence is currently insufficient to determine the role of this variant in disease. Therefore, it has been classified as a Variant of Uncertain Significance. Algorithms developed to predict the effect of missense changes on protein structure and function (SIFT, PolyPhen-2, Align-GVGD) all suggest that this variant is likely to be tolerated. This variant is present in population databases (no rsID available, gnomAD 0.01%). This sequence change replaces asparagine, which is neutral and polar, with lysine, which is basic and polar, at codon 504 of the DHTKD1 protein (p.Asn504Lys).

NM_018706.7(DHTKD1):c.1512C>A (p.Asn504Lys)

Gene: DHTKD1 (dehydrogenase E1 and transketolase domain containing 1; plus strand). Cytogenetic location: 10p14.
Variant type: single nucleotide variant.
Coding change: c.1512C>A on transcript NM_018706.7 (MANE Select); coding-DNA position 1512, C replaced by A.
Protein change: p.Asn504Lys; replaces asparagine 504 with lysine.
Molecular consequence: missense variant.
Genome position (GRCh38, 1-based): chr10:12,097,837, C>A. VCF-style: chr10-12097837-C-A. GRCh37 (hg19) VCF-style: chr10-12139836-C-A.
Other names: short protein forms N504K.
Identifiers: ClinVar variation 2897793 (VCV002897793.3), dbSNP rs1027831133, ClinGen allele CA376021452.